The following is an entry in ClinVar:

NM_004370.6(COL12A1):c.8837C>T (p.Pro2946Leu)

Gene: COL12A1 (collagen type XII alpha 1 chain; minus strand). Cytogenetic location: 6q13.
Variant type: single nucleotide variant.
Coding change: c.8837C>T on transcript NM_004370.6 (MANE Select); coding-DNA position 8837, C replaced by T.
Protein change: p.Pro2946Leu; replaces proline 2946 with leucine.
Molecular consequence: missense variant.
Genome position (GRCh38, 1-based): chr6:75,090,214, G>A on the plus strand (C>T on the coding strand, the complement: COL12A1 is on the minus strand). VCF-style: chr6-75090214-G-A. GRCh37 (hg19) VCF-style: chr6-75799930-G-A.
Other names: c.8837C>T, p.Pro2946Leu (NM_001424113.1); c.8816C>T, p.Pro2939Leu (NM_001424114.1); c.8564C>T, p.Pro2855Leu (NM_001424115.1); c.5345C>T, p.Pro1782Leu (NM_001424116.1, NM_080645.3); short protein forms P1782L, P2855L, P2939L, P2946L.
Identifiers: ClinVar variation 2930865 (VCV002930865.3), dbSNP rs753169250, ClinGen allele CA3892099.

ClinVar aggregate classification (germline): Uncertain significance (1 of 4 stars; one submission).

Conditions:
Ullrich congenital muscular dystrophy 2 (UCMD2). Identifiers: Orphanet 75840, MedGen C4225314, MONDO:0014654, OMIM 616470.
Bethlem myopathy 2 (BTHLM2). Identifiers: Orphanet 536516, Orphanet 610, MedGen C4225313, MONDO:0034022, OMIM 616471.

Allele frequency attached by ClinVar (database versions not stated): gnomAD exomes below 0.00001; ExAC 0.00001; gnomAD 0.00001.
gnomAD v4.1: 8 of 1,613,976 alleles (0.0005%); highest among the groups gnomAD compares: Non-Finnish European, 0.00042%; no homozygotes.

Submission:

Labcorp Genetics (formerly Invitae), Labcorp
Classification: Uncertain significance for Bethlem myopathy 2; Ullrich congenital muscular dystrophy 2. Last evaluated: 2024-01-19. Review status: criteria provided, single submitter. Criteria: Invitae Variant Classification Sherloc (09022015). Collection method: clinical testing. Allele origin: germline.
Comment: This sequence change replaces proline, which is neutral and non-polar, with leucine, which is neutral and non-polar, at codon 2946 of the COL12A1 protein (p.Pro2946Leu). This variant is present in population databases (rs753169250, gnomAD 0.004%). This variant has not been reported in the literature in individuals affected with COL12A1-related conditions. An algorithm developed to predict the effect of missense changes on protein structure and function (PolyPhen-2) suggests that this variant is likely to be disruptive. In summary, the available evidence is currently insufficient to determine the role of this variant in disease. Therefore, it has been classified as a Variant of Uncertain Significance.